The following is an entry in ClinVar:

ClinVar aggregate classification (germline): Uncertain significance. Review status: criteria provided, multiple submitters, no conflicts (2 of 4 stars). 2 submissions from 2 submitters: Uncertain significance (2). Last evaluated 2026-07-24.

Conditions:
ARCN1-related disorder. Also called: ARCN1-related condition.

Allele frequency attached by ClinVar (database versions not stated): gnomAD exomes below 0.00001.
gnomAD v4.1: 1 of 1,607,046 alleles (0.000062%); highest among the groups gnomAD compares: Admixed American, 0.0017%; no homozygotes.

Submissions (2):

PreventionGenetics, part of Exact Sciences
Classification: Uncertain significance for ARCN1-related condition. Last evaluated: 2026-07-24. Review status: criteria provided, single submitter. Criteria: ACMG Guidelines, 2015. Collection method: clinical testing. Allele origin: germline.
Comment: The ARCN1 c.1447G>A variant is predicted to result in the amino acid substitution p.Val483Ile. To our knowledge, this variant has not been reported in the literature. This variant is reported in 0.0030% of alleles in individuals of Latino descent in gnomAD. At this time, the clinical significance of this variant is uncertain due to the absence of conclusive functional and genetic evidence.

GeneDx
Classification: Uncertain significance. Last evaluated: 2023-03-24. Review status: criteria provided, single submitter. Criteria: GeneDx Variant Classification Process June 2021. Collection method: clinical testing. Allele origin: germline. Affected: yes.
Comment: Not observed at significant frequency in large population cohorts (gnomAD); In silico analysis supports that this missense variant does not alter protein structure/function; Has not been previously published as pathogenic or benign to our knowledge

NM_001655.5(ARCN1):c.1447G>A (p.Val483Ile)

Gene: ARCN1 (archain 1 coat protein complex I subunit delta; plus strand). Cytogenetic location: 11q23.3.
Variant type: single nucleotide variant.
Coding change: c.1447G>A on transcript NM_001655.5 (MANE Select); coding-DNA position 1447, G replaced by A.
Protein change: p.Val483Ile; replaces valine 483 with isoleucine.
Molecular consequence: missense variant.
Genome position (GRCh38, 1-based): chr11:118,600,625, G>A. VCF-style: chr11-118600625-G-A. GRCh37 (hg19) VCF-style: chr11-118471340-G-A.
Other names: c.1183G>A, p.Val395Ile (NM_001142281.2); short protein forms V395I, V483I.
Identifiers: ClinVar variation 2580717 (VCV002580717.2), dbSNP rs1555077933, ClinGen allele CA382820936.